The following is an entry in ClinVar:

NM_175732.3(PTPMT1):c.-4C>G

Gene: PTPMT1 (protein tyrosine phosphatase mitochondrial 1; plus strand). Cytogenetic location: 11p11.2.
Variant type: single nucleotide variant.
Coding change: c.-4C>G on transcript NM_175732.3 (MANE Select); 4 bases upstream of the start codon, C replaced by G.
Molecular consequence: 5 prime UTR variant.
Genome position (GRCh38, 1-based): chr11:47,565,619, C>G. VCF-style: chr11-47565619-C-G. GRCh37 (hg19) VCF-style: chr11-47587171-C-G.
Other names: c.-4C>G (NM_001143984.2).
Identifiers: ClinVar variation 5040810 (VCV005040810.1).

ClinVar aggregate classification (germline): Likely benign (1 of 4 stars; one submission).

gnomAD v4.1: 11,159 of 1,303,376 alleles (0.86%); highest among the groups gnomAD compares: Middle Eastern, 1%; 66 homozygotes.

Submission:

CeGaT Center for Human Genetics Tuebingen
Classification: Likely benign. Last evaluated: 2026-09-01. Review status: criteria provided, single submitter. Criteria: CeGaT Center For Human Genetics Tuebingen Variant Classification Criteria Version 2. Collection method: clinical testing. Allele origin: germline. Affected: yes. Observed: 1 variant allele.
Comment: PTPMT1: BP4, BS2